The following is an entry in ClinVar:

NM_001201543.2(FAM161A):c.294del (p.Lys98_Val99insTer)

Gene: FAM161A (FAM161 centrosomal protein A; minus strand). Cytogenetic location: 2p15.
Variant type: Deletion.
Coding change: c.294del on transcript NM_001201543.2 (MANE Select); coding-DNA position 294, one base deleted (A; older notation c.294delA).
Protein change: p.Lys98_Val99insTer.
Molecular consequence: frameshift variant. On other transcripts: non-coding transcript variant (1).
Genome position (GRCh38, 1-based): chr2:61,842,250, T deleted on the plus strand (A on the coding strand, the reverse complement: FAM161A is on the minus strand); the first of 3 consecutive T bases (chr2:61,842,250-61,842,252); deleting any one gives the same sequence. VCF-style (leftmost placement, unchanged base first): chr2-61842249-CT-C. GRCh37 (hg19) VCF-style: chr2-62069384-CT-C.
Other names: c.294del (NM_001201543.1); c.294delA (NM_001201543.2); c.294del, p.Lys98_Val99insTer (NM_032180.3).
Identifiers: ClinVar variation 930589 (VCV000930589.21), dbSNP rs762087385, ClinGen allele CA1679390.

ClinVar aggregate classification (germline): Pathogenic/Likely pathogenic. Review status: criteria provided, multiple submitters, no conflicts (2 of 4 stars). 9 submissions from 9 submitters: Pathogenic (4); Likely pathogenic (5). Last evaluated 2026-05-07.

Conditions:
Retinitis pigmentosa (RP). Identifiers: Orphanet 791, MedGen C0035334, MeSH D012174, MONDO:0019200, OMIM 268000. Inheritance: Autosomal dominant, autosomal recessive and X linked inheritance.
Retinitis pigmentosa 28 (RP28). Identifiers: Orphanet 791, MedGen C1419614, MONDO:0011630, OMIM 606068.
FAM161A-related disorder. Also called: FAM161A-related condition.

Submissions (9):

PreventionGenetics, part of Exact Sciences
Classification: Likely pathogenic for FAM161A-related condition. Last evaluated: 2026-05-07. Review status: criteria provided, single submitter. Criteria: ACMG Guidelines, 2015. Collection method: clinical testing. Allele origin: germline.
Comment: The FAM161A c.294delA variant is predicted to result in a frameshift and premature protein termination (p.Lys98Lysfs*2). To our knowledge, this variant has not been reported in individuals with FAM161A-related disease. This variant is reported in 0.0088% of alleles in individuals of European (Non-Finnish) descent in gnomAD. Frameshift variants in FAM161A are expected to be pathogenic. This variant is interpreted as likely pathogenic.

Natera, Inc.
Classification: Likely pathogenic for Retinitis pigmentosa type 28. Last evaluated: 2025-11-03. Review status: criteria provided, single submitter. Criteria: Natera Variant Classification Schema (03/2026). Collection method: clinical testing. Allele origin: germline.
Comment: The c.294delA variant in FAM161A is a frameshift variant predicted to shift the reading frame and introduce a stop codon. This variant is expected to result in nonsense mediated decay, truncation, or a dysfunctional protein product. This variant is rare in the general population with a frequency below the threshold expected for the associated phenotype(s). Given the available evidence, this variant is classified as Likely Pathogenic.

Genomic Medicine Center of Excellence, King Faisal Specialist Hospital and Research Centre
Classification: Pathogenic for Retinitis pigmentosa 28. Last evaluated: 2025-09-10. Review status: criteria provided, single submitter. Criteria: ACMG Guidelines, 2015. Collection method: clinical testing. Allele origin: germline.

Labcorp Genetics (formerly Invitae), Labcorp
Classification: Pathogenic. Last evaluated: 2025-07-02. Review status: criteria provided, single submitter. Criteria: Invitae Variant Classification Sherloc (09022015). Collection method: clinical testing. Allele origin: germline.
Comment: This sequence change creates a premature translational stop signal (p.Val99*) in the FAM161A gene. It is expected to result in an absent or disrupted protein product. Loss-of-function variants in FAM161A are known to be pathogenic (PMID: 20705278, 20705279, 24651477). This variant is present in population databases (rs762087385, gnomAD 0.009%). This variant has not been reported in the literature in individuals affected with FAM161A-related conditions. ClinVar contains an entry for this variant (Variation ID: 930589). For these reasons, this variant has been classified as Pathogenic.

Women's Health and Genetics/Laboratory Corporation of America, LabCorp
Classification: Pathogenic for Retinitis pigmentosa. Last evaluated: 2025-03-28. Review status: criteria provided, single submitter. Criteria: LabCorp Variant Classification Summary - May 2015. Collection method: clinical testing. Allele origin: germline.
Comment: Variant summary: FAM161A c.294delA (p.Val99X) results in a premature termination codon, predicted to cause a truncation of the encoded protein or absence of the protein due to nonsense mediated decay, which are commonly known mechanisms for disease. The variant allele was found at a frequency of 4e-05 in 249148 control chromosomes. This frequency is not significantly higher than estimated for a pathogenic variant in FAM161A causing Retinitis Pigmentosa (4e-05 vs 0.00063), allowing no conclusion about variant significance. To our knowledge, no occurrence of c.294delA in individuals affected with Retinitis Pigmentosa and no experimental evidence demonstrating its impact on protein function have been reported. ClinVar contains an entry for this variant (Variation ID: 930589). Based on the evidence outlined above, the variant was classified as pathogenic.

First Genomix Gene Laboratory, Genetic Diagnostics Department
Classification: Pathogenic for Retinitis pigmentosa 28. Last evaluated: 2025-01-13. Review status: criteria provided, single submitter. Criteria: ACMG Guidelines, 2015. Collection method: clinical testing. Allele origin: germline. Inheritance: Autosomal recessive inheritance. Affected: no. Observed: 1 variant allele.

Blueprint Genetics
Classification: Likely pathogenic for FAM161A-related disorders. Last evaluated: 2024-09-09. Review status: criteria provided, single submitter. Criteria: ACMG Guidelines, 2015. Collection method: clinical testing. Allele origin: germline. Affected: yes. Observed: 5 variant alleles.

Fulgent Genetics
Classification: Likely pathogenic for Retinitis pigmentosa 28. Last evaluated: 2024-02-26. Review status: criteria provided, single submitter. Criteria: ACMG Guidelines, 2015. Collection method: clinical testing. Allele origin: germline.

Centre for Mendelian Genomics, University Medical Centre Ljubljana
Classification: Likely pathogenic for Retinitis pigmentosa 28. Last evaluated: 2019-10-03. Review status: criteria provided, single submitter. Criteria: ACMG Guidelines, 2015. Collection method: clinical testing. Allele origin: unknown. Affected: yes.
Comment: This variant was classified as: Likely pathogenic. The following ACMG criteria were applied in classifying this variant: PVS1,PM2.

Literature cited by the submitters: PubMed 20705278 (cited by Labcorp Genetics (formerly Invitae), Labcorp); PubMed 20705279 (cited by Labcorp Genetics (formerly Invitae), Labcorp); PubMed 24651477 (cited by Labcorp Genetics (formerly Invitae), Labcorp).